The following is an entry in ClinVar:

NM_004408.4(DNM1):c.320G>A (p.Arg107Lys)

Genes: DNM1 (dynamin 1; plus strand), LOC113839516 (Sharpr-MPRA regulatory region 8497; plus strand). Cytogenetic location: 9q34.11.
Variant type: single nucleotide variant.
Coding change: c.320G>A on transcript NM_004408.4 (MANE Select); coding-DNA position 320, G replaced by A.
Protein change: p.Arg107Lys; replaces arginine 107 with lysine.
Molecular consequence: missense variant.
Genome position (GRCh38, 1-based): chr9:128,218,666, G>A. VCF-style: chr9-128218666-G-A. GRCh37 (hg19) VCF-style: chr9-130980945-G-A.
Other names: c.320G>A, p.Arg107Lys (NM_001005336.3, NM_001288737.2, NM_001288738.2 and 2 more transcripts); short protein forms R107K.
Identifiers: ClinVar variation 3359099 (VCV003359099.2).
Genomic context (GRCh38, chr9:128,218,666, plus strand): 5'-AGGGAAAGAAATTCACCGACTTCGAGGAGGTGCGCCTTGAGATCGAGGCCGAGACCGACA[G>A]GGTCACCGGCACCAACAAGGGCATCTCGCCGGTGCCTATCAACCTCCGCGTCTACTCGCC-3'
Protein context (NP_004399.2, residues 97-117): VRLEIEAETD[Arg107Lys]VTGTNKGISP

ClinVar aggregate classification (germline): Uncertain significance (1 of 4 stars; one submission).

Conditions:
Developmental and epileptic encephalopathy, 31A. Also called: Developmental and epileptic encephalopathy, 31; Epileptic encephalopathy, early infantile, 31. Identifiers: Orphanet 2382, MedGen C4225357, MONDO:0014598, OMIM 616346.

Submission:

Institute of Human Genetics, University of Leipzig Medical Center
Classification: Uncertain significance for Developmental and epileptic encephalopathy, 31A. Last evaluated: 2024-09-06. Review status: criteria provided, single submitter. Criteria: ACMG Guidelines, 2015. Collection method: clinical testing. Allele origin: unknown. Affected: yes.
Comment: Criteria applied: PM2,PP2,PP3